The following is an entry in ClinVar:

ClinVar aggregate classification (germline): Uncertain significance (1 of 4 stars; one submission).

Conditions:
Cardiovascular phenotype. Identifiers: MedGen CN230736.

Submission:

Ambry Genetics
Classification: Uncertain significance for Cardiovascular phenotype. Last evaluated: 2026-06-06. Review status: criteria provided, single submitter. Criteria: Ambry Variant Classification Scheme 2023. Collection method: clinical testing. Allele origin: germline.
Comment: The p.H541Y variant (also known as c.1621C>T), located in coding exon 28 of the TRDN gene, results from a C to T substitution at nucleotide position 1621. The histidine at codon 541 is replaced by tyrosine, an amino acid with similar properties. This amino acid position is conserved. In addition, this alteration is predicted to be tolerated by in silico analysis. Based on the available evidence, the clinical significance of this variant remains unclear.

NM_006073.4(TRDN):c.1621C>T (p.His541Tyr)

Gene: TRDN (triadin; minus strand). Cytogenetic location: 6q22.31.
Variant type: single nucleotide variant.
Coding change: c.1621C>T on transcript NM_006073.4 (MANE Select); coding-DNA position 1621, C replaced by T.
Protein change: p.His541Tyr; replaces histidine 541 with tyrosine.
Molecular consequence: missense variant.
Genome position (GRCh38, 1-based): chr6:123,273,340, G>A on the plus strand (C>T on the coding strand, the complement: TRDN is on the minus strand). VCF-style: chr6-123273340-G-A. GRCh37 (hg19) VCF-style: chr6-123594485-G-A.
Other names: short protein forms H541Y.
Identifiers: ClinVar variation 4865908 (VCV004865908.1).